The following is an entry in ClinVar:

ClinVar aggregate classification (germline): Uncertain significance (1 of 4 stars; one submission).

gnomAD v4.1: 1 of 1,614,076 alleles (0.000062%); highest among the groups gnomAD compares: South Asian, 0.0011%; no homozygotes.

Submission:

Labcorp Genetics (formerly Invitae), Labcorp
Classification: Uncertain significance. Last evaluated: 2021-08-28. Review status: criteria provided, single submitter. Criteria: Invitae Variant Classification Sherloc (09022015). Collection method: clinical testing. Allele origin: germline.
Comment: This sequence change replaces alanine with threonine at codon 64 of the UNC80 protein (p.Ala64Thr). The alanine residue is weakly conserved and there is a small physicochemical difference between alanine and threonine. This variant is not present in population databases (ExAC no frequency). This variant has not been reported in the literature in individuals affected with UNC80-related conditions. Algorithms developed to predict the effect of missense changes on protein structure and function are either unavailable or do not agree on the potential impact of this missense change (SIFT: "Not Available"; PolyPhen-2: "Probably Damaging"; Align-GVGD: "Not Available"). In summary, the available evidence is currently insufficient to determine the role of this variant in disease. Therefore, it has been classified as a Variant of Uncertain Significance.

NM_001371986.1(UNC80):c.190G>A (p.Ala64Thr)

Gene: UNC80 (unc-80 homolog, NALCN channel complex subunit; plus strand). Cytogenetic location: 2q34.
Variant type: single nucleotide variant.
Coding change: c.190G>A on transcript NM_001371986.1 (MANE Select); coding-DNA position 190, G replaced by A.
Protein change: p.Ala64Thr; replaces alanine 64 with threonine.
Molecular consequence: missense variant.
Genome position (GRCh38, 1-based): chr2:209,775,937, G>A. VCF-style: chr2-209775937-G-A. GRCh37 (hg19) VCF-style: chr2-210640661-G-A.
Other names: c.190G>A, p.Ala64Thr (NM_032504.2, NM_182587.4); short protein forms A64T.
Identifiers: ClinVar variation 1469773 (VCV001469773.3), dbSNP rs2076836398, ClinGen allele CA350130639.